The following is an entry in ClinVar:

NM_000093.5(COL5A1):c.2593-253A>C

Gene: COL5A1 (collagen type V alpha 1 chain; plus strand). Cytogenetic location: 9q34.3.
Variant type: single nucleotide variant.
Coding change: c.2593-253A>C on transcript NM_000093.5 (MANE Select); 253 bases into the intron before coding-DNA position 2593, A replaced by C.
Molecular consequence: intron variant.
Genome position (GRCh38, 1-based): chr9:134,785,742, A>C. VCF-style: chr9-134785742-A-C. GRCh37 (hg19) VCF-style: chr9-137677588-A-C.
Other names: c.2593-253A>C (NM_001278074.1).
Identifiers: ClinVar variation 683375 (VCV000683375.1), dbSNP rs34089816, ClinGen allele CA201105408.

ClinVar aggregate classification (germline): Benign (1 of 4 stars; one submission).

Allele frequency attached by ClinVar (database versions not stated): 1000 Genomes Project 0.14776; TOPMed 0.15573; 1000 Genomes Project 30x 0.14788; gnomAD 0.16263.
gnomAD v4.1: 23,600 of 152,226 alleles (16%); highest among the groups gnomAD compares: African/African-American, 24%; 2,103 homozygotes.

Submission:

GeneDx
Classification: Benign. Last evaluated: 2018-06-14. Review status: criteria provided, single submitter. Criteria: GeneDx Variant Classification (06012015). Collection method: clinical testing. Allele origin: germline. Affected: yes.
Comment: This variant is considered likely benign or benign based on one or more of the following criteria: it is a conservative change, it occurs at a poorly conserved position in the protein, it is predicted to be benign by multiple in silico algorithms, and/or has population frequency not consistent with disease.